The following is an entry in ClinVar:

ClinVar aggregate classification (germline): Benign/Likely benign. Review status: criteria provided, multiple submitters, no conflicts (2 of 4 stars). 4 submissions from 4 submitters: Benign (2); Likely benign (1). 1 of the submissions does not count toward it. Last evaluated 2024-11-01.

Conditions:
KSR2-related disorder. Also called: KSR2-related condition.

Allele frequency attached by ClinVar (database versions not stated): 1000 Genomes Project 30x 0.00047; 1000 Genomes Project 0.00060.
gnomAD v4.1: 217 of 1,613,626 alleles (0.013%); highest among the groups gnomAD compares: East Asian, 0.27%; 3 homozygotes.

Submissions (4):

Blueprint Genetics
Classification: Likely benign. Last evaluated: 2024-11-01. Review status: criteria provided, single submitter. Criteria: ACMG Guidelines, 2015. Collection method: clinical testing. Allele origin: germline.

Labcorp Genetics (formerly Invitae), Labcorp
Classification: Benign. Last evaluated: 2022-06-05. Review status: criteria provided, single submitter. Criteria: Invitae Variant Classification Sherloc (09022015). Collection method: clinical testing. Allele origin: germline.

Breakthrough Genomics
Classification: Benign. Review status: criteria provided, single submitter. Criteria: ACMG Guidelines, 2015. Collection method: not provided. Allele origin: germline. Inheritance: Unknown mechanism. Affected: yes.

PreventionGenetics, part of Exact Sciences
Classification: Likely benign for KSR2-related condition. Last evaluated: 2022-03-10. Review status: no assertion criteria provided. Collection method: clinical testing. Allele origin: germline. Not counted in ClinVar's aggregate classification.
Comment: This variant is classified as likely benign based on ACMG/AMP sequence variant interpretation guidelines (Richards et al. 2015 PMID: 25741868, with internal and published modifications).

NM_173598.6(KSR2):c.294C>T (p.Ile98=)

Gene: KSR2 (kinase suppressor of ras 2; minus strand). Cytogenetic location: 12q24.23.
Variant type: single nucleotide variant.
Coding change: c.294C>T on transcript NM_173598.6 (MANE Select); coding-DNA position 294, C replaced by T.
Protein change: p.Ile98=; no amino-acid change (isoleucine 98 retained).
Molecular consequence: synonymous variant.
Genome position (GRCh38, 1-based): chr12:117,860,318, G>A on the plus strand (C>T on the coding strand, the complement: KSR2 is on the minus strand). VCF-style: chr12-117860318-G-A. GRCh37 (hg19) VCF-style: chr12-118298123-G-A.
Other names: c.207C>T (NM_173598.4).
Identifiers: ClinVar variation 1561951 (VCV001561951.12), dbSNP rs55997942, ClinGen allele CA6816398.